The following is an entry in ClinVar:

ClinVar aggregate classification (germline): Conflicting classifications of pathogenicity. Review status: criteria provided, conflicting classifications (1 of 4 stars). 5 submissions from 5 submitters: Uncertain significance (3); Benign (1); Likely benign (1). Last evaluated 2025-04-01.

Conditions:
Inborn genetic diseases. Identifiers: MedGen C0950123, MeSH D030342.
Duane-radial ray syndrome (DRRS). Also called: Okihiro Syndrome; Duane-Radial Ray Syndrome/Okihiro Syndrome; Duane-Radial Ray Syndrome (DRRS) / Okihiro Syndrome; ACRORENOOCULAR SYNDROME; DR SYNDROME; DUANE ANOMALY WITH RADIAL RAY ABNORMALITIES AND DEAFNESS. Identifiers: Orphanet 93293, Orphanet 959, MedGen C1623209, MONDO:0011812, OMIM 607323. Disease mechanism: gain of function.

Allele frequency attached by ClinVar (database versions not stated): gnomAD 0.00011; ESP Exome Variant Server 0.00015; TOPMed 0.00018; gnomAD exomes 0.00020.
gnomAD v4.1: 311 of 1,614,138 alleles (0.019%); highest among the groups gnomAD compares: Non-Finnish European, 0.024%; no homozygotes.

Submissions (5):

Ambry Genetics
Classification: Uncertain significance for Inborn genetic diseases. Last evaluated: 2025-04-01. Review status: criteria provided, single submitter. Criteria: Ambry Variant Classification Scheme 2023. Collection method: clinical testing. Allele origin: germline.

Blueprint Genetics
Classification: Likely benign. Last evaluated: 2024-07-16. Review status: criteria provided, single submitter. Criteria: ACMG Guidelines, 2015. Collection method: clinical testing. Allele origin: germline.

Labcorp Genetics (formerly Invitae), Labcorp
Classification: Benign for Duane-radial ray syndrome. Last evaluated: 2019-12-31. Review status: criteria provided, single submitter. Criteria: Invitae Variant Classification Sherloc (09022015). Collection method: clinical testing. Allele origin: germline.

GeneDx
Classification: Uncertain significance. Last evaluated: 2019-09-25. Review status: criteria provided, single submitter. Criteria: GeneDx Variant Classification Process June 2021. Collection method: clinical testing. Allele origin: germline. Affected: yes.
Comment: In silico analysis, which includes protein predictors and evolutionary conservation, supports that this variant does not alter protein structure/function; Has not been previously published as pathogenic or benign to our knowledge

Eurofins Ntd Llc (ga)
Classification: Uncertain significance. Last evaluated: 2017-11-07. Review status: criteria provided, single submitter. Criteria: EGL Classification Definitions 2015. Collection method: clinical testing. Allele origin: germline. Observed: 1 variant allele, 1 heterozygote.

NM_020436.5(SALL4):c.1871C>T (p.Thr624Met)

Gene: SALL4 (spalt like transcription factor 4; minus strand). Cytogenetic location: 20q13.2.
Variant type: single nucleotide variant.
Coding change: c.1871C>T on transcript NM_020436.5 (MANE Select); coding-DNA position 1871, C replaced by T.
Protein change: p.Thr624Met; replaces threonine 624 with methionine.
Molecular consequence: missense variant. On other transcripts: intron variant (1).
Genome position (GRCh38, 1-based): chr20:51,790,612, G>A on the plus strand (C>T on the coding strand, the complement: SALL4 is on the minus strand). VCF-style: chr20-51790612-G-A. GRCh37 (hg19) VCF-style: chr20-50407151-G-A.
Other names: c.1150+721C>T (NM_001318031.2); short protein forms T624M.
Identifiers: ClinVar variation 594694 (VCV000594694.15), dbSNP rs146604877, ClinGen allele CA9912219.
Genomic context (GRCh38, chr20:51,790,612, plus strand): 5'-TGTTGCTGCAGCATCACGGCATTAGTGAACTTCTTCTGGCAGATGGGGCACGAATGCTGC[G>A]TCTTAATGGATGTGTTGGTTCGGTGAACCCCAAGGTGTGTCTTCAGGTTACCTTTGGTAG-3'
Protein context (NP_065169.1, residues 614-634): GVHRTNTSIK[Thr624Met]QHSCPICQKK